The following is an entry in ClinVar:

ClinVar aggregate classification (germline): Benign (1 of 4 stars; one submission).

Allele frequency attached by ClinVar (database versions not stated): gnomAD 0.00007; 1000 Genomes Project 30x 0.00109; 1000 Genomes Project 0.00439.

Submission:

CeGaT Center for Human Genetics Tuebingen
Classification: Benign. Last evaluated: 2026-01-01. Review status: criteria provided, single submitter. Criteria: CeGaT Center For Human Genetics Tuebingen Variant Classification Criteria Version 2. Collection method: clinical testing. Allele origin: germline. Affected: yes. Observed: 6 variant alleles.
Comment: AHNAK2: BP4, BS1, BS2

NM_138420.4(AHNAK2):c.4049C>T (p.Ser1350Phe)

Gene: AHNAK2 (AHNAK nucleoprotein 2; minus strand). Cytogenetic location: 14q32.33.
Variant type: single nucleotide variant.
Coding change: c.4049C>T on transcript NM_138420.4 (MANE Select); coding-DNA position 4049, C replaced by T.
Protein change: p.Ser1350Phe; replaces serine 1350 with phenylalanine.
Molecular consequence: missense variant.
Genome position (GRCh38, 1-based): chr14:104,951,402, G>A on the plus strand (C>T on the coding strand, the complement: AHNAK2 is on the minus strand). VCF-style: chr14-104951402-G-A. GRCh37 (hg19) VCF-style: chr14-105417739-G-A.
Other names: c.3749C>T, p.Ser1250Phe (NM_001350929.2); short protein forms S1250F, S1350F.
Identifiers: ClinVar variation 2644837 (VCV002644837.24), dbSNP rs560263755, ClinGen allele CA7382674.